The following is an entry in ClinVar:

NM_002292.4(LAMB2):c.1934dup (p.Gly646fs)

Gene: LAMB2 (laminin subunit beta 2; minus strand). Cytogenetic location: 3p21.31.
Variant type: Duplication.
Coding change: c.1934dup on transcript NM_002292.4 (MANE Select); coding-DNA position 1934, one base duplicated (C; older notation c.1934dupC).
Protein change: p.Gly646fs; shifts the reading frame from glycine 646.
Molecular consequence: frameshift variant.
Genome position (GRCh38, 1-based): chr3:49,128,542, G duplicated on the plus strand (C on the coding strand, the reverse complement: LAMB2 is on the minus strand); the first of 2 consecutive G bases (chr3:49,128,542-49,128,543); duplicating either gives the same sequence. VCF-style (leftmost placement, unchanged base first): chr3-49128541-T-TG. GRCh37 (hg19) VCF-style: chr3-49165974-T-TG.
Other names: short protein forms G646fs.
Identifiers: ClinVar variation 1455722 (VCV001455722.6), dbSNP rs750538204, ClinGen allele CA2394451.

ClinVar aggregate classification (germline): Pathogenic (1 of 4 stars; one submission).

Conditions:
Pierson syndrome. Also called: MICROCORIA-CONGENITAL NEPHROTIC SYNDROME. Identifiers: Orphanet 2670, MedGen C1836876, MONDO:0012184, OMIM 609049.
LAMB2-related infantile-onset nephrotic syndrome. Also called: NEPHROTIC SYNDROME, TYPE 5, WITHOUT OCULAR ABNORMALITIES; NEPHROTIC SYNDROME, TYPE 5, WITH OCULAR ABNORMALITIES; Nephrotic Syndrome, type 5. Identifiers: Orphanet 306507, MedGen C3280113, MONDO:0013621, OMIM 614199.

Submission:

Labcorp Genetics (formerly Invitae), Labcorp
Classification: Pathogenic for LAMB2-related infantile-onset nephrotic syndrome; Pierson syndrome. Last evaluated: 2023-05-08. Review status: criteria provided, single submitter. Criteria: Invitae Variant Classification Sherloc (09022015). Collection method: clinical testing. Allele origin: germline.
Comment: For these reasons, this variant has been classified as Pathogenic. ClinVar contains an entry for this variant (Variation ID: 1455722). This variant has not been reported in the literature in individuals affected with LAMB2-related conditions. This variant is present in population databases (rs750538204, gnomAD 0.007%). This sequence change creates a premature translational stop signal (p.Gly646Argfs*17) in the LAMB2 gene. It is expected to result in an absent or disrupted protein product. Loss-of-function variants in LAMB2 are known to be pathogenic (PMID: 15367484).

Literature cited by the submitters: PubMed 15367484.